The following is an entry in ClinVar:

NM_001130987.2(DYSF):c.2410-2A>G

Gene: DYSF (dysferlin; plus strand). Cytogenetic location: 2p13.2.
Variant type: single nucleotide variant.
Coding change: c.2410-2A>G on transcript NM_001130987.2 (MANE Select); the canonical splice acceptor site of the intron before coding-DNA position 2410, A replaced by G.
Molecular consequence: splice acceptor variant.
Genome position (GRCh38, 1-based): chr2:71,564,056, A>G. VCF-style: chr2-71564056-A-G. GRCh37 (hg19) VCF-style: chr2-71791186-A-G.
Other names: c.2449-2A>G (NM_001130979.2); c.2407-2A>G (NM_001130981.2, NM_001130980.2); c.2356-2A>G (NM_001130978.2, NM_003494.4); c.2314-2A>G (NM_001130977.2, NM_001130976.2); c.2452-2A>G (NM_001130982.2); c.2410-2A>G (NM_001130985.2); c.2359-2A>G (NM_001130983.2, NM_001130455.2); c.2317-2A>G (NM_001130984.2, NM_001130986.2).
Identifiers: ClinVar variation 1484090 (VCV001484090.6), dbSNP rs1242016118, ClinGen allele CA347211053.

ClinVar aggregate classification (germline): Likely pathogenic (1 of 4 stars; one submission).

Conditions:
Neuromuscular disease caused by qualitative or quantitative defects of dysferlin. Also called: Dysferlinopathy; Qualitative or quantitative defects of dysferlin. Identifiers: Orphanet 207073, MedGen C2931687, MONDO:0016145.

Submission:

Labcorp Genetics (formerly Invitae), Labcorp
Classification: Likely pathogenic for Neuromuscular disease caused by qualitative or quantitative defects of dysferlin. Last evaluated: 2024-04-29. Review status: criteria provided, single submitter. Criteria: Invitae Variant Classification Sherloc (09022015). Collection method: clinical testing. Allele origin: germline.
Comment: This sequence change affects an acceptor splice site in intron 23 of the DYSF gene. It is expected to disrupt RNA splicing. Variants that disrupt the donor or acceptor splice site typically lead to a loss of protein function (PMID: 16199547), and loss-of-function variants in DYSF are known to be pathogenic (PMID: 17698709, 20301480). This variant is not present in population databases (gnomAD no frequency). This variant has not been reported in the literature in individuals affected with DYSF-related conditions. ClinVar contains an entry for this variant (Variation ID: 1484090). Algorithms developed to predict the effect of sequence changes on RNA splicing suggest that this variant may disrupt the consensus splice site. In summary, the currently available evidence indicates that the variant is pathogenic, but additional data are needed to prove that conclusively. Therefore, this variant has been classified as Likely Pathogenic.

Literature cited by the submitters: PubMed 16199547; PubMed 17698709; PubMed 20301480.